The following is an entry in ClinVar:

NM_002471.4(MYH6):c.4862A>G (p.Glu1621Gly)

Genes: MYH6 (myosin heavy chain 6; minus strand), LOC126861896 (BRD4-independent group 4 enhancer GRCh37_chr14:23854904-23856103; plus strand). Cytogenetic location: 14q11.2.
Variant type: single nucleotide variant.
Coding change: c.4862A>G on transcript NM_002471.4 (MANE Select); coding-DNA position 4862, A replaced by G.
Protein change: p.Glu1621Gly; replaces glutamic acid 1621 with glycine.
Molecular consequence: missense variant.
Genome position (GRCh38, 1-based): chr14:23,386,412, T>C on the plus strand (A>G on the coding strand, the complement: MYH6 is on the minus strand). VCF-style: chr14-23386412-T-C. GRCh37 (hg19) VCF-style: chr14-23855621-T-C.
Other names: short protein forms E1621G.
Identifiers: ClinVar variation 4742772 (VCV004742772.1).

ClinVar aggregate classification (germline): Uncertain significance (1 of 4 stars; one submission).

Conditions:
Hypertrophic cardiomyopathy 14. Identifiers: MedGen C2750467, MONDO:0013197, OMIM 613251.

Submission:

Labcorp Genetics (formerly Invitae), Labcorp
Classification: Uncertain significance for Hypertrophic cardiomyopathy 14. Last evaluated: 2025-11-27. Review status: criteria provided, single submitter. Criteria: Invitae Variant Classification Sherloc (09022015). Collection method: clinical testing. Allele origin: germline.
Comment: This sequence change replaces glutamic acid, which is acidic and polar, with glycine, which is neutral and non-polar, at codon 1621 of the MYH6 protein (p.Glu1621Gly). This variant is not present in population databases (gnomAD no frequency). This variant has not been reported in the literature in individuals affected with MYH6-related conditions. Invitae Evidence Modeling of protein sequence and biophysical properties (such as structural, functional, and spatial information, amino acid conservation, physicochemical variation, residue mobility, and thermodynamic stability) indicates that this missense variant is expected to disrupt MYH6 protein function with a positive predictive value of 80%. In summary, the available evidence is currently insufficient to determine the role of this variant in disease. Therefore, it has been classified as a Variant of Uncertain Significance.